The following is an entry in ClinVar:

NM_000348.4(SRD5A2):c.586G>C (p.Gly196Arg)

Gene: SRD5A2 (steroid 5 alpha-reductase 2; minus strand). Cytogenetic location: 2p23.1.
Variant type: single nucleotide variant.
Coding change: c.586G>C on transcript NM_000348.4 (MANE Select); coding-DNA position 586, G replaced by C.
Protein change: p.Gly196Arg; replaces glycine 196 with arginine.
Molecular consequence: missense variant.
Genome position (GRCh38, 1-based): chr2:31,529,419, C>G on the plus strand (G>C on the coding strand, the complement: SRD5A2 is on the minus strand). VCF-style: chr2-31529419-C-G. GRCh37 (hg19) VCF-style: chr2-31754489-C-G.
Other names: short protein forms G196R.
Identifiers: ClinVar variation 548153 (VCV000548153.2), dbSNP rs121434250, ClinGen allele CA346598068.

ClinVar aggregate classification (germline): Pathogenic (1 of 4 stars; one submission).

Conditions:
3-Oxo-5 alpha-steroid delta 4-dehydrogenase deficiency (PPSH). Also called: MALE PSEUDOHERMAPHRODITISM DUE TO 5-ALPHA-REDUCTASE DEFICIENCY; PSEUDOVAGINAL PERINEOSCROTAL HYPOSPADIAS; FAMILIAL INCOMPLETE MALE PSEUDOHERMAPHRODITISM, TYPE 2; 46,XY disorder of sex development due to 5-alpha-reductase 2 deficiency. Identifiers: Orphanet 753, MedGen C0268297, MONDO:0009923, OMIM 264600. Disease mechanism: loss of function.

Submission:

Institute of Reproductive and Stem Cell Engineering, Central South University
Classification: Pathogenic for 3-Oxo-5 alpha-steroid delta 4-dehydrogenase deficiency. Last evaluated: 2018-02-01. Review status: criteria provided, single submitter. Criteria: ACMG Guidelines, 2015. Collection method: clinical testing. Allele origin: inherited. Inheritance: Autosomal recessive inheritance. Affected: yes and no. Observed: 2 variant alleles, 1 heterozygote, 1 compound heterozygote.
Comment: Although in vitro studies have not been performed to investigate the functional impact of the p.G196R mutation, several lines of evidence suggest that it is a disease-causing mutation. Firstly, codon 196 is highly conserved. Secondly, in silico analysis by the PolyPhen-2 and PROVEAN software predicted p.G196R to be a "probably damaging" and "deleterious" mutation, respectively. Finally, in this same codon, pathogenic mutations G196S and G196D have been identified previously. Experiments have shown that the G196S mutation could reduce the overall enzyme activity and increase the optimum pH slightly. According to the interpretation of the American College of Medical Genetics and Genomics (ACMG) guidelines, the missense mutation p.G196R was likely to be pathogenic.

Literature cited by the submitters: PubMed 28663096.